The following is an entry in ClinVar:

NM_000051.4(ATM):c.2865T>C (p.Pro955=)

Gene: ATM (ATM serine/threonine kinase; plus strand). Cytogenetic location: 11q22.3.
Variant type: single nucleotide variant.
Coding change: c.2865T>C on transcript NM_000051.4 (MANE Select); coding-DNA position 2865, T replaced by C.
Protein change: p.Pro955=; no amino-acid change (proline 955 retained).
Molecular consequence: synonymous variant.
Genome position (GRCh38, 1-based): chr11:108,271,090, T>C. VCF-style: chr11-108271090-T-C. GRCh37 (hg19) VCF-style: chr11-108141817-T-C.
Other names: c.2865T>C, p.Pro955= (NM_001351834.2).
Identifiers: ClinVar variation 509946 (VCV000509946.14), dbSNP rs1555084654, ClinGen allele CA476674151.
Genomic context (GRCh38, chr11:108,271,090, plus strand): 5'-ATAAACCTGATTTTTTTCCCTCCTACCATCTTAGTATCTAATGCTTTTAAAGGAGCTTCC[T>C]GGAGAAGAGTACCCCTTGCCAATGGAAGATGTTCTTGAACTTCTGAAACCACTATCGTAA-3'
Protein context (NP_000042.3, residues 945-965): HMYLMLLKEL[Pro955=]GEEYPLPMED

ClinVar aggregate classification (germline): Benign/Likely benign. Review status: criteria provided, multiple submitters, no conflicts (2 of 4 stars). 4 submissions from 4 submitters: Benign (1); Likely benign (3). Last evaluated 2025-12-21.

Conditions:
Hereditary cancer-predisposing syndrome. Also called: Hereditary Cancer Syndrome; Tumor predisposition; Neoplastic Syndromes, Hereditary; Hereditary neoplastic syndrome. Identifiers: Orphanet 140162, MedGen C0027672, MeSH D009386, MONDO:0015356.
Familial cancer of breast. Also called: BREAST CANCER, FAMILIAL; Hereditary breast cancer; hereditary breast carcinoma. Identifiers: Orphanet 227535, MedGen C0346153, MONDO:0016419, OMIM 114480. Disease mechanism: loss of function.
Ataxia-telangiectasia syndrome (AT). Also called: Cerebello-oculocutaneous telangiectasia; Immunodeficiency with ataxia telangiectasia; AT, COMPLEMENTATION GROUP C; Ataxia-telangiectasia, complementation group D; LOUIS-BAR SYNDROME; Ataxia-telangiectasia, complementation group E. Identifiers: Orphanet 100, MedGen C0004135, MONDO:0008840, OMIM 208900.

Submissions (4):

Labcorp Genetics (formerly Invitae), Labcorp
Classification: Likely benign for Ataxia-telangiectasia syndrome. Last evaluated: 2025-12-21. Review status: criteria provided, single submitter. Criteria: Invitae Variant Classification Sherloc (09022015). Collection method: clinical testing. Allele origin: germline.

Myriad Genetics, Inc.
Classification: Benign for Familial cancer of breast. Last evaluated: 2024-05-10. Review status: criteria provided, single submitter. Criteria: Myriad Autosomal Dominant, Autosomal Recessive and X-Linked Classification Criteria (2023). Collection method: clinical testing. Allele origin: unknown.
Comment: This variant is considered benign. This variant is a silent/synonymous amino acid change and it is not expected to impact splicing.

Ambry Genetics
Classification: Likely benign for Hereditary cancer-predisposing syndrome. Last evaluated: 2018-06-20. Review status: criteria provided, single submitter. Criteria: Ambry Variant Classification Scheme 2023. Collection method: clinical testing. Allele origin: germline.

GeneDx
Classification: Likely benign. Last evaluated: 2017-05-26. Review status: criteria provided, single submitter. Criteria: GeneDx Variant Classification (06012015). Collection method: clinical testing. Allele origin: germline. Affected: yes.
Comment: This variant is considered likely benign or benign based on one or more of the following criteria: it is a conservative change, it occurs at a poorly conserved position in the protein, it is predicted to be benign by multiple in silico algorithms, and/or has population frequency not consistent with disease.